The following is an entry in ClinVar:

NM_005359.6(SMAD4):c.1140-11T>A

Gene: SMAD4 (SMAD family member 4; plus strand). Cytogenetic location: 18q21.2.
Variant type: single nucleotide variant.
Coding change: c.1140-11T>A on transcript NM_005359.6 (MANE Select); 11 bases into the intron before coding-DNA position 1140, T replaced by A.
Molecular consequence: intron variant.
Genome position (GRCh38, 1-based): chr18:51,067,008, T>A. VCF-style: chr18-51067008-T-A. GRCh37 (hg19) VCF-style: chr18-48593378-T-A.
Identifiers: ClinVar variation 492460 (VCV000492460.13), dbSNP rs1224777335, ClinGen allele CA629926695.

ClinVar aggregate classification (germline): Conflicting classifications of pathogenicity. Review status: criteria provided, conflicting classifications (1 of 4 stars). 5 submissions from 5 submitters: Uncertain significance (1); Likely benign (3). 1 of the submissions does not count toward it. Last evaluated 2025-12-30.

Conditions:
Juvenile polyposis syndrome (JPS). Identifiers: Orphanet 2929, MedGen C0345893, MONDO:0017380, OMIM 174900.
Hereditary cancer-predisposing syndrome. Also called: Hereditary neoplastic syndrome; Tumor predisposition; Neoplastic Syndromes, Hereditary; Hereditary Cancer Syndrome. Identifiers: Orphanet 140162, MedGen C0027672, MeSH D009386, MONDO:0015356.
Juvenile polyposis/hereditary hemorrhagic telangiectasia syndrome (JPHT). Also called: Juvenile Polyposis Syndrome / Hereditary Hemorrhagic Telangiectasia (JPS/HHT); JP/HHT SYNDROME; JUVENILE POLYPOSIS WITH HEREDITARY HEMORRHAGIC TELANGIECTASIA; POLYPOSIS, GENERALIZED JUVENILE, WITH PULMONARY ARTERIOVENOUS MALFORMATION; TELANGIECTASIA, HEREDITARY HEMORRHAGIC, WITH JUVENILE POLYPOSIS COLI. Identifiers: Orphanet 2929, MedGen C1832942, MONDO:0008278, OMIM 175050.

Allele frequency attached by ClinVar (database versions not stated): gnomAD exomes below 0.00001 and 0.00001; TOPMed 0.00001; gnomAD 0.00002.
gnomAD v4.1: 16 of 1,602,482 alleles (0.001%); highest among the groups gnomAD compares: Admixed American, 0.0017%; no homozygotes.

Submissions (5):

Labcorp Genetics (formerly Invitae), Labcorp
Classification: Likely benign for Juvenile polyposis syndrome. Last evaluated: 2025-12-30. Review status: criteria provided, single submitter. Criteria: Invitae Variant Classification Sherloc (09022015). Collection method: clinical testing. Allele origin: germline.

All of Us Research Program, National Institutes of Health
Classification: Likely benign for Juvenile polyposis/hereditary hemorrhagic telangiectasia syndrome. Last evaluated: 2023-12-18. Review status: criteria provided, single submitter. Criteria: ACMG Guidelines, 2015. Collection method: clinical testing. Allele origin: germline. Inheritance: Autosomal dominant inheritance. Observed: 5 variant alleles, 5 heterozygotes.
Comment: This study involves interpretation of variants in research participants for the purpose of population health screening. Participant phenotype was not available at the time of variant classification. Additional details can be found in publication PMID: 35346344, PMCID: PMC8962531

Myriad Genetics, Inc.
Classification: Uncertain significance for Juvenile polyposis/hereditary hemorrhagic telangiectasia syndrome. Last evaluated: 2023-04-10. Review status: criteria provided, single submitter. Criteria: Myriad Autosomal Dominant, Autosomal Recessive and X-Linked Classification Criteria (2023). Collection method: clinical testing. Allele origin: unknown.
Comment: This variant is classified as a variant of uncertain significance as there is insufficient evidence to determine its impact on protein function and/or cancer risk.

Color Diagnostics, LLC DBA Color Health
Classification: Likely benign for Hereditary cancer-predisposing syndrome. Last evaluated: 2016-05-29. Review status: criteria provided, single submitter. Criteria: ACMG Guidelines, 2015. Collection method: clinical testing. Allele origin: germline.

Counsyl
Classification: Likely benign for Juvenile polyposis syndrome. Last evaluated: 2018-04-24. Review status: no assertion criteria provided. Collection method: clinical testing. Allele origin: unknown. Not counted in ClinVar's aggregate classification.